The following is an entry in ClinVar:

NM_012464.5(TLL1):c.170-8T>C

Gene: TLL1 (tolloid like 1; plus strand). Cytogenetic location: 4q32.3.
Variant type: single nucleotide variant.
Coding change: c.170-8T>C on transcript NM_012464.5 (MANE Select); 8 bases into the intron before coding-DNA position 170, T replaced by C.
Molecular consequence: intron variant.
Genome position (GRCh38, 1-based): chr4:165,989,373, T>C. VCF-style: chr4-165989373-T-C. GRCh37 (hg19) VCF-style: chr4-166910525-T-C.
Other names: c.170-8T>C (NM_001204760.2).
Identifiers: ClinVar variation 3035134 (VCV003035134.2), dbSNP rs766152735, ClinGen allele CA3130525.

ClinVar aggregate classification (germline): Likely benign (0 of 4 stars; one submission).

Conditions:
TLL1-related disorder. Also called: TLL1-related condition.

Allele frequency attached by ClinVar (database versions not stated): gnomAD 0.00001; TOPMed 0.00001.
gnomAD v4.1: 11 of 1,599,832 alleles (0.00069%); highest among the groups gnomAD compares: Non-Finnish European, 0.00068%; no homozygotes.

Submission:

PreventionGenetics, part of Exact Sciences
Classification: Likely benign for TLL1-related condition. Last evaluated: 2019-07-30. Review status: no assertion criteria provided. Collection method: clinical testing. Allele origin: germline.
Comment: This variant is classified as likely benign based on ACMG/AMP sequence variant interpretation guidelines (Richards et al. 2015 PMID: 25741868, with internal and published modifications).